The following is an entry in ClinVar:

ClinVar aggregate classification (germline): Pathogenic/Likely pathogenic. Review status: criteria provided, multiple submitters, no conflicts (2 of 4 stars). 3 submissions from 3 submitters: Pathogenic (1); Likely pathogenic (1). 1 of the submissions does not count toward it. Last evaluated 2024-05-31.

Conditions:
Leukoencephalopathy with vanishing white matter 2 (VWM2). Also called: Leukoencephalopathy with vanishing white matter 2, with or without ovarian failure; EIF2B2-Related Childhood Ataxia with Central Nervous System Hypomyelination/Vanishing White Matter. Identifiers: MedGen C5830404, MONDO:0957870, OMIM 620312.

Allele frequency attached by ClinVar (database versions not stated): ExAC 0.00002; TOPMed 0.00006; gnomAD 0.00001; gnomAD exomes 0.00001 and 0.00003.
gnomAD v4.1: 39 of 1,612,766 alleles (0.0024%); highest among the groups gnomAD compares: Middle Eastern, 0.017%; no homozygotes.

Submissions (3):

Fulgent Genetics
Classification: Likely pathogenic for Leukoencephalopathy with vanishing white matter 2. Last evaluated: 2024-05-31. Review status: criteria provided, single submitter. Criteria: ACMG Guidelines, 2015. Collection method: clinical testing. Allele origin: germline.

Labcorp Genetics (formerly Invitae), Labcorp
Classification: Pathogenic. Last evaluated: 2024-02-19. Review status: criteria provided, single submitter. Criteria: Invitae Variant Classification Sherloc (09022015). Collection method: clinical testing. Allele origin: germline.
Comment: This sequence change creates a premature translational stop signal (p.Arg183*) in the EIF2B2 gene. It is expected to result in an absent or disrupted protein product. Loss-of-function variants in EIF2B2 are known to be pathogenic (PMID: 11704758, 12707859). This variant is present in population databases (rs104894427, gnomAD 0.01%). This premature translational stop signal has been observed in individual(s) with clinical features of leukoencephalopathy with vanishing white matter (PMID: 12707859). ClinVar contains an entry for this variant (Variation ID: 4338). For these reasons, this variant has been classified as Pathogenic.

OMIM
Classification: Pathogenic for LEUKOENCEPHALOPATHY WITH VANISHING WHITE MATTER 2. Last evaluated: 2003-06-01. Review status: no assertion criteria provided. Collection method: literature only. Allele origin: germline. Not counted in ClinVar's aggregate classification.

Literature cited by the submitters: PubMed 11704758 (cited by Labcorp Genetics (formerly Invitae), Labcorp); PubMed 12707859 (cited by Labcorp Genetics (formerly Invitae), Labcorp and OMIM).

NM_014239.4(EIF2B2):c.547C>T (p.Arg183Ter)

Gene: EIF2B2 (eukaryotic translation initiation factor 2B subunit beta; plus strand). Cytogenetic location: 14q24.3.
Variant type: single nucleotide variant.
Coding change: c.547C>T on transcript NM_014239.4 (MANE Select); coding-DNA position 547, C replaced by T.
Protein change: p.Arg183Ter; replaces arginine 183 with a stop codon.
Molecular consequence: nonsense.
Genome position (GRCh38, 1-based): chr14:75,004,850, C>T. VCF-style: chr14-75004850-C-T. GRCh37 (hg19) VCF-style: chr14-75471553-C-T.
Other names: short protein forms R183*.
Identifiers: ClinVar variation 4338 (VCV000004338.8), dbSNP rs104894427, ClinGen allele CA116770.
Genomic context (GRCh38, chr14:75,004,850, plus strand): 5'-GAGGTGATCATGACCATTGGCTTCTCCCGAACAGTAGAGGCCTTCCTCAAAGAGGCTGCC[C>T]GAAAGAGGAAATTCCATGTCATTGTAGCAGAGTGTGCTCCTTTCTGCCAGGTAAGGAGAC-3'